The following is an entry in ClinVar:

ClinVar aggregate classification (germline): Uncertain significance. Review status: criteria provided, multiple submitters, no conflicts (2 of 4 stars). 2 submissions from 2 submitters: Uncertain significance (2). Last evaluated 2025-09-04.

Conditions:
Alpha thalassemia-X-linked intellectual disability syndrome (ATRX). Also called: ALPHA-THALASSEMIA/MENTAL RETARDATION SYNDROME, X-LINKED; ATR, NONDELETION TYPE; ATR-X syndrome; Alpha thalassemia mental retardation syndrome, nondeletion type, X-linked; XLMR hypotonic face syndrome; X-linked alpha-thalassemia-mental retardation syndrome. Identifiers: Orphanet 847, MedGen C1845055, MONDO:0010519, OMIM 301040.

Submissions (2):

Women's Health and Genetics/Laboratory Corporation of America, LabCorp
Classification: Uncertain significance. Last evaluated: 2025-09-04. Review status: criteria provided, single submitter. Criteria: LabCorp Variant Classification Summary - May 2015. Collection method: clinical testing. Allele origin: germline.
Comment: Variant summary: ATRX c.3786_3788dupTGA (p.Asp1264dup) results in an in-frame duplication that is predicted to duplicate one amino acid into the encoded protein. The variant was absent in 182126 control chromosomes. The available data on variant occurrences in the general population are insufficient to allow any conclusion about variant significance. To our knowledge, no occurrence of c.3786_3788dupTGA in individuals affected with ATRX-related conditions and no experimental evidence demonstrating its impact on protein function have been reported. ClinVar contains an entry for this variant (Variation ID: 3012938). Based on the evidence outlined above, the variant was classified as uncertain significance.

Labcorp Genetics (formerly Invitae), Labcorp
Classification: Uncertain significance for Alpha thalassemia-X-linked intellectual disability syndrome. Last evaluated: 2023-12-11. Review status: criteria provided, single submitter. Criteria: Invitae Variant Classification Sherloc (09022015). Collection method: clinical testing. Allele origin: germline.
Comment: This variant, c.3786_3788dup, results in the insertion of 1 amino acid(s) of the ATRX protein (p.Asp1264dup), but otherwise preserves the integrity of the reading frame. This variant is not present in population databases (gnomAD no frequency). This variant has not been reported in the literature in individuals affected with ATRX-related conditions. Experimental studies and prediction algorithms are not available or were not evaluated, and the functional significance of this variant is currently unknown. In summary, the available evidence is currently insufficient to determine the role of this variant in disease. Therefore, it has been classified as a Variant of Uncertain Significance.

NM_000489.6(ATRX):c.3777TGA[5] (p.Asp1264_Asn1265insAsp)

Gene: ATRX (ATRX chromatin remodeler; minus strand). Cytogenetic location: Xq21.1.
Variant type: Microsatellite.
Coding change: c.3777TGA[5] on transcript NM_000489.6 (MANE Select); five copies in a row of the 3-base unit TGA starting at c.3777; the reference has four copies in a row; one copy, 3 bases duplicated.
Protein change: p.Asp1264_Asn1265insAsp.
Molecular consequence: inframe insertion.
Genome position (GRCh38, 1-based): chrX:77,676,247-77,676,249, TCA duplicated on the plus strand (TGA on the coding strand, the reverse complement: ATRX is on the minus strand); duplicating any 3 consecutive bases within chrX:77,676,247-77,676,260 gives the same sequence; the position shown is the placement nearest the transcript's 3' end. VCF-style (leftmost placement, unchanged base first): chrX-77676246-G-GTCA. GRCh37 (hg19) VCF-style: chrX-76931741-G-GTCA.
Other names: c.3786_3788dupTGA (NM_000489.6); c.3663TGA[5], p.Asp1226_Asn1227insAsp (NM_138270.5).
Identifiers: ClinVar variation 3012938 (VCV003012938.4), dbSNP rs782391448, ClinGen allele CA878386950.